The following is an entry in ClinVar:

ClinVar aggregate classification (germline): Uncertain significance (1 of 4 stars; one submission).

Conditions:
Familial thoracic aortic aneurysm and aortic dissection (TAAD). Also called: Thoracic aortic aneurysms and dissections. Identifiers: Orphanet 91387, MedGen C4707243, MONDO:0019625.

Submission:

Labcorp Genetics (formerly Invitae), Labcorp
Classification: Uncertain significance for Familial thoracic aortic aneurysm and aortic dissection. Last evaluated: 2023-08-25. Review status: criteria provided, single submitter. Criteria: Invitae Variant Classification Sherloc (09022015). Collection method: clinical testing. Allele origin: germline.
Comment: Advanced modeling of protein sequence and biophysical properties (such as structural, functional, and spatial information, amino acid conservation, physicochemical variation, residue mobility, and thermodynamic stability) performed at Invitae indicates that this missense variant is not expected to disrupt TGFBR2 protein function. This variant has not been reported in the literature in individuals affected with TGFBR2-related conditions. This variant is not present in population databases (gnomAD no frequency). This sequence change replaces arginine, which is basic and polar, with leucine, which is neutral and non-polar, at codon 207 of the TGFBR2 protein (p.Arg207Leu). In summary, the available evidence is currently insufficient to determine the role of this variant in disease. Therefore, it has been classified as a Variant of Uncertain Significance.

NM_003242.6(TGFBR2):c.620G>T (p.Arg207Leu)

Gene: TGFBR2 (transforming growth factor beta receptor 2; plus strand). Cytogenetic location: 3p24.1.
Variant type: single nucleotide variant.
Coding change: c.620G>T on transcript NM_003242.6 (MANE Select); coding-DNA position 620, G replaced by T.
Protein change: p.Arg207Leu; replaces arginine 207 with leucine.
Molecular consequence: missense variant. On other transcripts: intron variant (1).
Genome position (GRCh38, 1-based): chr3:30,671,803, G>T. VCF-style: chr3-30671803-G-T. GRCh37 (hg19) VCF-style: chr3-30713295-G-T.
Other names: c.695G>T, p.Arg232Leu (NM_001024847.3); c.803G>T, p.Arg268Leu (NM_001407126.1); c.728G>T, p.Arg243Leu (NM_001407127.1); c.647G>T, p.Arg216Leu (NM_001407128.1); c.623G>T, p.Arg208Leu (NM_001407129.1); c.620G>T, p.Arg207Leu (NM_001407130.1); c.515G>T, p.Arg172Leu (NM_001407132.1, NM_001407133.1, NM_001407134.1 and 2 more transcripts); c.335G>T, p.Arg112Leu (NM_001407137.1); and 2 more; short protein forms R232L, R268L, R172L, R243L, R216L, R87L, R112L, R207L.
Identifiers: ClinVar variation 2844033 (VCV002844033.3), dbSNP rs371209879, ClinGen allele CA351807498.